The following is an entry in ClinVar:

NM_000292.3(PHKA2):c.3140G>A (p.Gly1047Asp)

Gene: PHKA2 (phosphorylase kinase regulatory subunit alpha 2; minus strand). Cytogenetic location: Xp22.13.
Variant type: single nucleotide variant.
Coding change: c.3140G>A on transcript NM_000292.3 (MANE Select); coding-DNA position 3140, G replaced by A.
Protein change: p.Gly1047Asp; replaces glycine 1047 with aspartic acid.
Molecular consequence: missense variant.
Genome position (GRCh38, 1-based): chrX:18,897,305, C>T on the plus strand (G>A on the coding strand, the complement: PHKA2 is on the minus strand). VCF-style: chrX-18897305-C-T. GRCh37 (hg19) VCF-style: chrX-18915423-C-T.
Other names: short protein forms G1047D.
Identifiers: ClinVar variation 3368455 (VCV003368455.1).

ClinVar aggregate classification (germline): Uncertain significance (1 of 4 stars; one submission).

gnomAD v4.1: 6 of 1,210,150 alleles (0.0005%); highest among the groups gnomAD compares: Non-Finnish European, 0.00056%; no homozygotes.

Submission:

GeneDx
Classification: Uncertain significance. Last evaluated: 2024-01-29. Review status: criteria provided, single submitter. Criteria: GeneDx Variant Classification Process June 2021. Collection method: clinical testing. Allele origin: germline. Affected: yes.
Comment: Not observed at significant frequency in large population cohorts (gnomAD); In silico analysis supports that this missense variant does not alter protein structure/function; Has not been previously published as pathogenic or benign to our knowledge